The following is an entry in ClinVar:

ClinVar aggregate classification (germline): Uncertain significance (1 of 4 stars; one submission).

Conditions:
Inborn genetic diseases. Identifiers: MedGen C0950123, MeSH D030342.

gnomAD v4.1: 2 of 1,613,932 alleles (0.00012%); highest among the groups gnomAD compares: Non-Finnish European, 0.00017%; no homozygotes.

Submission:

Ambry Genetics
Classification: Uncertain significance for Inborn genetic diseases. Last evaluated: 2024-12-14. Review status: criteria provided, single submitter. Criteria: Ambry Variant Classification Scheme 2023. Collection method: clinical testing. Allele origin: germline.
Comment: The p.V464L variant (also known as c.1390G>C), located in coding exon 6 of the SH2B3 gene, results from a G to C substitution at nucleotide position 1390. The valine at codon 464 is replaced by leucine, an amino acid with highly similar properties. This amino acid position is conserved. In addition, this alteration is predicted to be tolerated by in silico analysis. Based on the available evidence, the clinical significance of this variant remains unclear.

NM_005475.3(SH2B3):c.1390G>C (p.Val464Leu)

Gene: SH2B3 (SH2B adaptor protein 3; plus strand). Cytogenetic location: 12q24.12.
Variant type: single nucleotide variant.
Coding change: c.1390G>C on transcript NM_005475.3 (MANE Select); coding-DNA position 1390, G replaced by C.
Protein change: p.Val464Leu; replaces valine 464 with leucine.
Molecular consequence: missense variant.
Genome position (GRCh38, 1-based): chr12:111,447,809, G>C. VCF-style: chr12-111447809-G-C. GRCh37 (hg19) VCF-style: chr12-111885613-G-C.
Other names: c.784G>C, p.Val262Leu (NM_001291424.1); short protein forms V262L, V464L.
Identifiers: ClinVar variation 3794997 (VCV003794997.1).